The following is an entry in ClinVar:

NM_177438.3(DICER1):c.1532A>G (p.His511Arg)

Gene: DICER1 (dicer 1, ribonuclease III; minus strand). Cytogenetic location: 14q32.13.
Variant type: single nucleotide variant.
Coding change: c.1532A>G on transcript NM_177438.3 (MANE Select); coding-DNA position 1532, A replaced by G.
Protein change: p.His511Arg; replaces histidine 511 with arginine.
Molecular consequence: missense variant. On other transcripts: intron variant (1), non-coding transcript variant (6).
Genome position (GRCh38, 1-based): chr14:95,116,673, T>C on the plus strand (A>G on the coding strand, the complement: DICER1 is on the minus strand). VCF-style: chr14-95116673-T-C. GRCh37 (hg19) VCF-style: chr14-95583010-T-C.
Other names: c.1532A>G, p.His511Arg (NM_001195573.1, NM_001271282.3, NM_001291628.2 and 13 more transcripts); c.1250A>G, p.His417Arg (NM_001395686.1); c.1127A>G, p.His376Arg (NM_001395687.1, NM_001395688.1, NM_001395689.1 and 3 more transcripts); c.965A>G, p.His322Arg (NM_001395691.1); c.-59-93A>G (NM_001395697.1); short protein forms H376R, H417R, H322R, H511R.
Identifiers: ClinVar variation 2758095 (VCV002758095.3), dbSNP rs2543037049, ClinGen allele CA390885173.

ClinVar aggregate classification (germline): Uncertain significance (1 of 4 stars; one submission).

Conditions:
DICER1-related tumor predisposition. Also called: DICER1-related pleuropulmonary blastoma cancer predisposition syndrome; DICER1 syndrome. Identifiers: Orphanet 284343, MedGen C3839822, MONDO:0100216.

Submission:

Labcorp Genetics (formerly Invitae), Labcorp
Classification: Uncertain significance for DICER1-related tumor predisposition. Last evaluated: 2025-04-27. Review status: criteria provided, single submitter. Criteria: Invitae Variant Classification Sherloc (09022015). Collection method: clinical testing. Allele origin: germline.
Comment: This sequence change replaces histidine, which is basic and polar, with arginine, which is basic and polar, at codon 511 of the DICER1 protein (p.His511Arg). This variant is not present in population databases (gnomAD no frequency). This variant has not been reported in the literature in individuals affected with DICER1-related conditions. ClinVar contains an entry for this variant (Variation ID: 2758095). Invitae Evidence Modeling of protein sequence and biophysical properties (such as structural, functional, and spatial information, amino acid conservation, physicochemical variation, residue mobility, and thermodynamic stability) indicates that this missense variant is not expected to disrupt DICER1 protein function with a negative predictive value of 95%. In summary, the available evidence is currently insufficient to determine the role of this variant in disease. Therefore, it has been classified as a Variant of Uncertain Significance.